The following is an entry in ClinVar:

NM_138420.4(AHNAK2):c.6093G>C (p.Leu2031=)

Gene: AHNAK2 (AHNAK nucleoprotein 2; minus strand). Cytogenetic location: 14q32.33.
Variant type: single nucleotide variant.
Coding change: c.6093G>C on transcript NM_138420.4 (MANE Select); coding-DNA position 6093, G replaced by C.
Protein change: p.Leu2031=; no amino-acid change (leucine 2031 retained).
Molecular consequence: synonymous variant.
Genome position (GRCh38, 1-based): chr14:104,949,358, C>G on the plus strand (G>C on the coding strand, the complement: AHNAK2 is on the minus strand). VCF-style: chr14-104949358-C-G. GRCh37 (hg19) VCF-style: chr14-105415695-C-G.
Other names: c.5793G>C, p.Leu1931= (NM_001350929.2).
Identifiers: ClinVar variation 2644756 (VCV002644756.24), dbSNP rs193212565, ClinGen allele CA7381350.

ClinVar aggregate classification (germline): Likely benign (1 of 4 stars; one submission).

Allele frequency attached by ClinVar (database versions not stated): ESP Exome Variant Server 0.00209; 1000 Genomes Project 0.00459; 1000 Genomes Project 30x 0.01249.
gnomAD v4.1: 1,202 of 1,549,418 alleles (0.078%); highest among the groups gnomAD compares: African/African-American, 0.74%; 82 homozygotes.

Submission:

CeGaT Center for Human Genetics Tuebingen
Classification: Likely benign. Last evaluated: 2022-11-01. Review status: criteria provided, single submitter. Criteria: CeGaT Center For Human Genetics Tuebingen Variant Classification Criteria Version 2. Collection method: clinical testing. Allele origin: germline. Affected: yes. Observed: 1 variant allele.
Comment: AHNAK2: BP4, BP7, BS2